The following is an entry in ClinVar:

NM_004973.4(JARID2):c.957A>G (p.Val319=)

Gene: JARID2 (jumonji and AT-rich interaction domain containing 2; plus strand). Cytogenetic location: 6p22.3.
Variant type: single nucleotide variant.
Coding change: c.957A>G on transcript NM_004973.4 (MANE Select); coding-DNA position 957, A replaced by G.
Protein change: p.Val319=; no amino-acid change (valine 319 retained).
Molecular consequence: synonymous variant.
Genome position (GRCh38, 1-based): chr6:15,496,182, A>G. VCF-style: chr6-15496182-A-G. GRCh37 (hg19) VCF-style: chr6-15496413-A-G.
Other names: c.441A>G, p.Val147= (NM_001267040.1).
Identifiers: ClinVar variation 1314376 (VCV001314376.3), dbSNP rs2127733741, ClinGen allele CA448952818.

ClinVar aggregate classification (germline): Likely benign (1 of 4 stars; one submission).

Submission:

GeneDx
Classification: Likely benign. Last evaluated: 2022-05-18. Review status: criteria provided, single submitter. Criteria: GeneDx Variant Classification Process June 2021. Collection method: clinical testing. Allele origin: germline. Affected: yes.
Comment: Not observed in large population cohorts (gnomAD); Has not been previously published as pathogenic or benign to our knowledge; In silico analysis supports that this variant does not alter splicing; Nucleotide substitution has no predicted effect on splicing and is not conserved across species.